The following is an entry in ClinVar:

NM_017654.4(SAMD9):c.2782G>A (p.Val928Met)

Gene: SAMD9 (sterile alpha motif domain containing 9; minus strand). Cytogenetic location: 7q21.2.
Variant type: single nucleotide variant.
Coding change: c.2782G>A on transcript NM_017654.4 (MANE Select); coding-DNA position 2782, G replaced by A.
Protein change: p.Val928Met; replaces valine 928 with methionine.
Molecular consequence: missense variant.
Genome position (GRCh38, 1-based): chr7:93,103,316, C>T on the plus strand (G>A on the coding strand, the complement: SAMD9 is on the minus strand). VCF-style: chr7-93103316-C-T. GRCh37 (hg19) VCF-style: chr7-92732629-C-T.
Other names: c.2782G>A, p.Val928Met (NM_001193307.2); short protein forms V928M.
Identifiers: ClinVar variation 4159024 (VCV004159024.1).

ClinVar aggregate classification (germline): Uncertain significance (1 of 4 stars; one submission).

Conditions:
Inborn genetic diseases. Identifiers: MedGen C0950123, MeSH D030342.

Submission:

Ambry Genetics
Classification: Uncertain significance for Inborn genetic diseases. Last evaluated: 2025-06-21. Review status: criteria provided, single submitter. Criteria: Ambry Variant Classification Scheme 2023. Collection method: clinical testing. Allele origin: germline.
Comment: The p.V928M variant (also known as c.2782G>A), located in coding exon 1 of the SAMD9 gene, results from a G to A substitution at nucleotide position 2782. The valine at codon 928 is replaced by methionine, an amino acid with highly similar properties. This amino acid position is conserved. In addition, this alteration is predicted to be tolerated by in silico analysis. Based on the available evidence, the clinical significance of this variant remains unclear.